The following is an entry in ClinVar:

ClinVar aggregate classification (germline): Uncertain significance (1 of 4 stars; one submission).

Allele frequency attached by ClinVar (database versions not stated): TOPMed 0.00001; ExAC 0.00002; gnomAD 0.00002; gnomAD exomes 0.00004.
gnomAD v4.1: 61 of 1,613,962 alleles (0.0038%); highest among the groups gnomAD compares: Admixed American, 0.005%; no homozygotes.

Submission:

Labcorp Genetics (formerly Invitae), Labcorp
Classification: Uncertain significance. Last evaluated: 2022-07-25. Review status: criteria provided, single submitter. Criteria: Invitae Variant Classification Sherloc (09022015). Collection method: clinical testing. Allele origin: germline.
Comment: This sequence change replaces threonine, which is neutral and polar, with methionine, which is neutral and non-polar, at codon 236 of the EIF2B2 protein (p.Thr236Met). This variant is present in population databases (rs778105211, gnomAD 0.006%). This variant has not been reported in the literature in individuals affected with EIF2B2-related conditions. Algorithms developed to predict the effect of missense changes on protein structure and function are either unavailable or do not agree on the potential impact of this missense change (SIFT: "Deleterious"; PolyPhen-2: "Probably Damaging"; Align-GVGD: "Class C0"). In summary, the available evidence is currently insufficient to determine the role of this variant in disease. Therefore, it has been classified as a Variant of Uncertain Significance.

NM_014239.4(EIF2B2):c.707C>T (p.Thr236Met)

Gene: EIF2B2 (eukaryotic translation initiation factor 2B subunit beta; plus strand). Cytogenetic location: 14q24.3.
Variant type: single nucleotide variant.
Coding change: c.707C>T on transcript NM_014239.4 (MANE Select); coding-DNA position 707, C replaced by T.
Protein change: p.Thr236Met; replaces threonine 236 with methionine.
Molecular consequence: missense variant.
Genome position (GRCh38, 1-based): chr14:75,006,590, C>T. VCF-style: chr14-75006590-C-T. GRCh37 (hg19) VCF-style: chr14-75473293-C-T.
Other names: short protein forms T236M.
Identifiers: ClinVar variation 2076325 (VCV002076325.1), dbSNP rs778105211, ClinGen allele CA7275037.